The following is an entry in ClinVar:

ClinVar aggregate classification (germline): Pathogenic. Review status: criteria provided, multiple submitters, no conflicts (2 of 4 stars). 2 submissions from 2 submitters: Pathogenic (2). Last evaluated 2026-09-08.

Conditions:
Pheochromocytoma/paraganglioma syndrome 5. Also called: SDHA-Related Hereditary Paraganglioma-Pheochromocytoma Syndrome; Paragangliomas 5. Identifiers: Orphanet 29072, MedGen C3279992, MONDO:0013602, OMIM 614165.
Mitochondrial complex II deficiency, nuclear type 1. Also called: SUCCINATE CoQ REDUCTASE DEFICIENCY. Identifiers: Orphanet 3208, MedGen C5700310, MONDO:0100294, OMIM 252011.

Submissions (2):

Myriad Genetics, Inc.
Classification: Pathogenic for Pheochromocytoma/paraganglioma syndrome 5. Last evaluated: 2026-09-08. Review status: criteria provided, single submitter. Criteria: Myriad Autosomal Dominant, Autosomal Recessive and X-Linked Classification Criteria (2023). Collection method: clinical testing. Allele origin: unknown.
Comment: This variant is considered pathogenic. This variant creates a frameshift predicted to result in premature protein truncation.

Labcorp Genetics (formerly Invitae), Labcorp
Classification: Pathogenic for Pheochromocytoma/paraganglioma syndrome 5; Mitochondrial complex II deficiency, nuclear type 1. Last evaluated: 2019-01-21. Review status: criteria provided, single submitter. Criteria: Invitae Variant Classification Sherloc (09022015). Collection method: clinical testing. Allele origin: germline.
Comment: This variant is not present in population databases (ExAC no frequency). For these reasons, this variant has been classified as Pathogenic. Loss-of-function variants in SDHA are known to be pathogenic (PMID: 22974104, 24781757). This variant has not been reported in the literature in individuals with SDHA-related conditions. This sequence change creates a premature translational stop signal (p.Cys467Metfs*14) in the SDHA gene. It is expected to result in an absent or disrupted protein product.

Literature cited by the submitters: PubMed 22974104 (cited by Labcorp Genetics (formerly Invitae), Labcorp); PubMed 24781757 (cited by Labcorp Genetics (formerly Invitae), Labcorp).

NM_004168.4(SDHA):c.1397dup (p.Cys467fs)

Gene: SDHA (succinate dehydrogenase complex flavoprotein subunit A; plus strand). Cytogenetic location: 5p15.33.
Variant type: Duplication.
Coding change: c.1397dup on transcript NM_004168.4 (MANE Select); coding-DNA position 1397, one base duplicated (C; older notation c.1397dupC).
Protein change: p.Cys467fs; shifts the reading frame from cysteine 467.
Molecular consequence: frameshift variant.
Genome position (GRCh38, 1-based): chr5:236,564, C duplicated. VCF-style (leftmost placement, unchanged base first): chr5-236563-G-GC. GRCh37 (hg19) VCF-style: chr5-236678-G-GC.
Other names: c.1253dup, p.Cys419fs (NM_001294332.2); c.1397dup, p.Cys467fs (NM_001330758.2); short protein forms C419fs, C467fs.
Identifiers: ClinVar variation 855920 (VCV000855920.9), dbSNP rs1735798915, ClinGen allele CA916082679.